The following is an entry in ClinVar:

NM_001330360.2(POLA1):c.1849G>T (p.Val617Phe)

Gene: POLA1 (DNA polymerase alpha 1, catalytic subunit; plus strand). Cytogenetic location: Xp22.11.
Variant type: single nucleotide variant.
Coding change: c.1849G>T on transcript NM_001330360.2 (MANE Select); coding-DNA position 1849, G replaced by T.
Protein change: p.Val617Phe; replaces valine 617 with phenylalanine.
Molecular consequence: missense variant. On other transcripts: non-coding transcript variant (2).
Genome position (GRCh38, 1-based): chrX:24,735,414, G>T. VCF-style: chrX-24735414-G-T. GRCh37 (hg19) VCF-style: chrX-24753531-G-T.
Other names: c.1774G>T, p.Val592Phe (NM_001378303.1); c.1831G>T, p.Val611Phe (NM_016937.4); short protein forms V617F, V592F, V611F.
Identifiers: ClinVar variation 3687278 (VCV003687278.2).

ClinVar aggregate classification (germline): Uncertain significance (1 of 4 stars; one submission).

Submission:

Labcorp Genetics (formerly Invitae), Labcorp
Classification: Uncertain significance. Last evaluated: 2024-10-30. Review status: criteria provided, single submitter. Criteria: Invitae Variant Classification Sherloc (09022015). Collection method: clinical testing. Allele origin: germline.
Comment: This sequence change replaces valine, which is neutral and non-polar, with phenylalanine, which is neutral and non-polar, at codon 611 of the POLA1 protein (p.Val611Phe). This variant is not present in population databases (gnomAD no frequency). This variant has not been reported in the literature in individuals affected with POLA1-related conditions. Invitae Evidence Modeling of protein sequence and biophysical properties (such as structural, functional, and spatial information, amino acid conservation, physicochemical variation, residue mobility, and thermodynamic stability) indicates that this missense variant is not expected to disrupt POLA1 protein function with a negative predictive value of 80%. In summary, the available evidence is currently insufficient to determine the role of this variant in disease. Therefore, it has been classified as a Variant of Uncertain Significance.